The following is an entry in ClinVar:

ClinVar aggregate classification (germline): Uncertain significance (1 of 4 stars; one submission).

Conditions:
Familial cancer of breast. Also called: Hereditary breast cancer; BREAST CANCER, FAMILIAL; hereditary breast carcinoma. Identifiers: Orphanet 227535, MedGen C0346153, MONDO:0016419, OMIM 114480. Disease mechanism: loss of function.

Submission:

Labcorp Genetics (formerly Invitae), Labcorp
Classification: Uncertain significance for Familial cancer of breast. Last evaluated: 2023-10-04. Review status: criteria provided, single submitter. Criteria: Invitae Variant Classification Sherloc (09022015). Collection method: clinical testing. Allele origin: germline.
Comment: This sequence change replaces cysteine, which is neutral and slightly polar, with glycine, which is neutral and non-polar, at codon 766 of the BARD1 protein (p.Cys766Gly). This variant is not present in population databases (gnomAD no frequency). This variant has not been reported in the literature in individuals affected with BARD1-related conditions. An algorithm developed to predict the effect of missense changes on protein structure and function (PolyPhen-2) suggests that this variant is likely to be disruptive. In summary, the available evidence is currently insufficient to determine the role of this variant in disease. Therefore, it has been classified as a Variant of Uncertain Significance.

NM_000465.4(BARD1):c.2296T>G (p.Cys766Gly)

Gene: BARD1 (BRCA1 associated RING domain 1; minus strand). Cytogenetic location: 2q35.
Variant type: single nucleotide variant.
Coding change: c.2296T>G on transcript NM_000465.4 (MANE Select); coding-DNA position 2296, T replaced by G.
Protein change: p.Cys766Gly; replaces cysteine 766 with glycine.
Molecular consequence: missense variant. On other transcripts: non-coding transcript variant (3).
Genome position (GRCh38, 1-based): chr2:214,728,714, A>C on the plus strand (T>G on the coding strand, the complement: BARD1 is on the minus strand). VCF-style: chr2-214728714-A-C. GRCh37 (hg19) VCF-style: chr2-215593438-A-C.
Other names: c.2239T>G, p.Cys747Gly (NM_001282543.2); c.943T>G, p.Cys315Gly (NM_001282545.2); c.886T>G, p.Cys296Gly (NM_001282548.2); c.757T>G, p.Cys253Gly (NM_001282549.2); short protein forms C766G, C253G, C296G, C315G, C747G.
Identifiers: ClinVar variation 2765043 (VCV002765043.3), dbSNP rs1692192377, ClinGen allele CA350449824.